The following is an entry in ClinVar:

ClinVar aggregate classification (germline): Benign (3 of 4 stars; one submission).

Conditions:
Breast-ovarian cancer, familial, susceptibility to, 2 (BROVCA2). Also called: BRCA2 Hereditary Breast and Ovarian Cancer. Identifiers: Orphanet 145, MedGen C2675520, MONDO:0012933, OMIM 612555. Disease mechanism: loss of function.

Allele frequency attached by ClinVar (database versions not stated): gnomAD exomes 0.00100; 1000 Genomes Project 0.01058; gnomAD 0.01084 and 0.01182; 1000 Genomes Project 30x 0.01124; TOPMed 0.01199.
gnomAD v4.1: 2,333 of 806,744 alleles (0.29%); highest among the groups gnomAD compares: African/African-American, 3.7%; 38 homozygotes.

Submission:

Evidence-based Network for the Interpretation of Germline Mutant Alleles (ENIGMA)
Classification: Benign for Breast-ovarian cancer, familial 2. Last evaluated: 2015-01-12. Review status: reviewed by expert panel. Criteria: ENIGMA BRCA1/2 Classification Criteria (2015). Collection method: curation. Allele origin: germline.
Comment: Class 1 not pathogenic based on frequency >1% in an outbred sampleset. Frequency 0.03049 (African), derived from 1000 genomes (2012-04-30).

NM_000059.4(BRCA2):c.9256+139C>T

Gene: BRCA2 (BRCA2 DNA repair associated; plus strand). Cytogenetic location: 13q13.1.
Variant type: single nucleotide variant.
Coding change: c.9256+139C>T on transcript NM_000059.4 (MANE Select); 139 bases into the intron after coding-DNA position 9256, C replaced by T.
Molecular consequence: intron variant.
Genome position (GRCh38, 1-based): chr13:32,380,284, C>T. VCF-style: chr13-32380284-C-T. GRCh37 (hg19) VCF-style: chr13-32954421-C-T.
Other names: IVS 24+139C>T.
Identifiers: ClinVar variation 209847 (VCV000209847.1), dbSNP rs74047016, ClinGen allele CA276815.